The following is an entry in ClinVar:

NM_016616.5(NME8):c.742C>A (p.Pro248Thr)

Gene: NME8 (NME/NM23 family member 8; plus strand). Cytogenetic location: 7p14.1.
Variant type: single nucleotide variant.
Coding change: c.742C>A on transcript NM_016616.5 (MANE Select); coding-DNA position 742, C replaced by A.
Protein change: p.Pro248Thr; replaces proline 248 with threonine.
Molecular consequence: missense variant.
Genome position (GRCh38, 1-based): chr7:37,867,822, C>A. VCF-style: chr7-37867822-C-A. GRCh37 (hg19) VCF-style: chr7-37907424-C-A.
Other names: short protein forms P248T.
Identifiers: ClinVar variation 570688 (VCV000570688.11), dbSNP rs201277639, ClinGen allele CA4222324.

ClinVar aggregate classification (germline): Conflicting classifications of pathogenicity. Review status: criteria provided, conflicting classifications (1 of 4 stars). 3 submissions from 3 submitters: Uncertain significance (1); Likely benign (1). 1 of the submissions does not count toward it. Last evaluated 2024-11-23.

Conditions:
Primary ciliary dyskinesia. Also called: Ciliary dyskinesia. Identifiers: Orphanet 244, MedGen C0008780, MONDO:0016575, HP:0012265.
Primary ciliary dyskinesia 6. Also called: Primary Ciliary Dyskinesia 6: TXNDC3-Related Primary Ciliary Dyskinesia. Identifiers: Orphanet 244, MedGen C1970506, MONDO:0012571, OMIM 610852.
NME8-related disorder. Also called: NME8-related condition.

Allele frequency attached by ClinVar (database versions not stated): gnomAD 0.00003 and 0.00010; TOPMed 0.00003; gnomAD exomes 0.00004 and 0.00014; ExAC 0.00011; 1000 Genomes Project 30x 0.00141; 1000 Genomes Project 0.00160.
gnomAD v4.1: 78 of 1,613,906 alleles (0.0048%); highest among the groups gnomAD compares: East Asian, 0.098%; no homozygotes.

Submissions (3):

Ambry Genetics
Classification: Likely benign for Primary ciliary dyskinesia. Last evaluated: 2024-11-23. Review status: criteria provided, single submitter. Criteria: Ambry Variant Classification Scheme 2023. Collection method: clinical testing. Allele origin: germline.

Labcorp Genetics (formerly Invitae), Labcorp
Classification: Uncertain significance for Primary ciliary dyskinesia 6. Last evaluated: 2018-02-13. Review status: criteria provided, single submitter. Criteria: Invitae Variant Classification Sherloc (09022015). Collection method: clinical testing. Allele origin: germline.
Comment: In summary, the available evidence is currently insufficient to determine the role of this variant in disease. Therefore, it has been classified as a Variant of Uncertain Significance. Algorithms developed to predict the effect of missense changes on protein structure and function output the following: SIFT: "Tolerated"; PolyPhen-2: "Benign"; Align-GVGD: "Class C0". The threonine amino acid residue is found in multiple mammalian species, suggesting that this missense change does not adversely affect protein function. These predictions have not been confirmed by published functional studies and their clinical significance is uncertain. This variant has not been reported in the literature in individuals with NME8-related disease. This variant is present in population databases (rs201277639, ExAC 0.1%). This sequence change replaces proline with threonine at codon 248 of the NME8 protein (p.Pro248Thr). The proline residue is weakly conserved and there is a small physicochemical difference between proline and threonine.

PreventionGenetics, part of Exact Sciences
Classification: Uncertain significance for NME8-related condition. Last evaluated: 2024-08-27. Review status: no assertion criteria provided. Collection method: clinical testing. Allele origin: germline. Not counted in ClinVar's aggregate classification.
Comment: The NME8 c.742C>A variant is predicted to result in the amino acid substitution p.Pro248Thr. To our knowledge, this variant has not been reported in the literature. This variant is reported in 0.17% of alleles in individuals of East Asian descent in gnomAD, which may be too common to be a primary cause of disease. This variant is classified as a variant of uncertain significance in ClinVar. Although we suspect that this variant may be benign, at this time, the clinical significance of this variant is uncertain due to the absence of conclusive functional and genetic evidence.